The following is an entry in ClinVar:

ClinVar aggregate classification (germline): Uncertain significance. Review status: criteria provided, multiple submitters, no conflicts (2 of 4 stars). 2 submissions from 2 submitters: Uncertain significance (2). Last evaluated 2024-04-19.

Conditions:
46,XY sex reversal 2. Also called: Dosage-sensitive sex reversal; NR0B1-Related 46,XY CGD; NR0B1-related 46,XY complete gonadal dysgenesis; 46,XY SEX REVERSAL, DAX1-RELATED; 46XY sex reversal 2, dosage-sensitive. Identifiers: MedGen C1848296, MONDO:0010226, OMIM 300018.
Congenital adrenal hypoplasia, X-linked (AHC). Also called: ADRENAL HYPOPLASIA, CONGENITAL, WITH HYPOGONADOTROPIC HYPOGONADISM; Isolated X-Linked Adrenal Hypoplasia Congenita; X-linked AHC; X-Linked Adrenal Hypoplasia Congenita. Identifiers: Orphanet 95702, MedGen C0342482, MONDO:0010264, OMIM 300200. Disease mechanism: loss of function.

Allele frequency attached by ClinVar (database versions not stated): TOPMed below 0.00001; gnomAD 0.00001; gnomAD exomes 0.00002.
gnomAD v4.1: 20 of 1,195,743 alleles (0.0017%); highest among the groups gnomAD compares: Non-Finnish European, 0.0023%; no homozygotes.

Submissions (2):

Fulgent Genetics
Classification: Uncertain significance for 46,XY sex reversal 2; Congenital adrenal hypoplasia, X-linked. Last evaluated: 2024-04-19. Review status: criteria provided, single submitter. Criteria: ACMG Guidelines, 2015. Collection method: clinical testing. Allele origin: germline.

Labcorp Genetics (formerly Invitae), Labcorp
Classification: Uncertain significance for Congenital adrenal hypoplasia, X-linked; 46,XY sex reversal 2. Last evaluated: 2022-04-28. Review status: criteria provided, single submitter. Criteria: Invitae Variant Classification Sherloc (09022015). Collection method: clinical testing. Allele origin: germline.
Comment: This sequence change replaces glycine, which is neutral and non-polar, with serine, which is neutral and polar, at codon 203 of the NR0B1 protein (p.Gly203Ser). The frequency data for this variant in the population databases is considered unreliable, as metrics indicate poor data quality at this position in the gnomAD database. This variant has not been reported in the literature in individuals affected with NR0B1-related conditions. Advanced modeling of protein sequence and biophysical properties (such as structural, functional, and spatial information, amino acid conservation, physicochemical variation, residue mobility, and thermodynamic stability) performed at Invitae indicates that this missense variant is not expected to disrupt NR0B1 protein function. In summary, the available evidence is currently insufficient to determine the role of this variant in disease. Therefore, it has been classified as a Variant of Uncertain Significance.

NM_000475.5(NR0B1):c.607G>A (p.Gly203Ser)

Gene: NR0B1 (nuclear receptor subfamily 0 group B member 1; minus strand). Cytogenetic location: Xp21.2.
Variant type: single nucleotide variant.
Coding change: c.607G>A on transcript NM_000475.5 (MANE Select); coding-DNA position 607, G replaced by A.
Protein change: p.Gly203Ser; replaces glycine 203 with serine.
Molecular consequence: missense variant.
Genome position (GRCh38, 1-based): chrX:30,308,757, C>T on the plus strand (G>A on the coding strand, the complement: NR0B1 is on the minus strand). VCF-style: chrX-30308757-C-T. GRCh37 (hg19) VCF-style: chrX-30326874-C-T.
Other names: short protein forms G203S.
Identifiers: ClinVar variation 2177923 (VCV002177923.2), dbSNP rs1361268108, ClinGen allele CA412548275.
Genomic context (GRCh38, chrX:30,308,757, plus strand): 5'-CTTGATTTGTGCTCGTGGGCACGCAGTAGAGGGTGCTGCCCTGCTGCGGGTGGTCTTCAC[C>T]GCAAAAGCAGCAGCGGTACAGAAGCGCCGTGGCCCGCCCGCCTGGTAGCGCCTCTTTACC-3'
Protein context (NP_000466.2, residues 193-213): TALLYRCCFC[Gly203Ser]EDHPQQGSTL